The following is an entry in ClinVar:

NM_006231.4(POLE):c.3176G>C (p.Arg1059Pro)

Gene: POLE (DNA polymerase epsilon, catalytic subunit; minus strand). Cytogenetic location: 12q24.33.
Variant type: single nucleotide variant.
Coding change: c.3176G>C on transcript NM_006231.4 (MANE Select); coding-DNA position 3176, G replaced by C.
Protein change: p.Arg1059Pro; replaces arginine 1059 with proline.
Molecular consequence: missense variant.
Genome position (GRCh38, 1-based): chr12:132,659,394, C>G on the plus strand (G>C on the coding strand, the complement: POLE is on the minus strand). VCF-style: chr12-132659394-C-G. GRCh37 (hg19) VCF-style: chr12-133235980-C-G.
Other names: short protein forms R1059P.
Identifiers: ClinVar variation 4862274 (VCV004862274.1).

ClinVar aggregate classification (germline): Uncertain significance (1 of 4 stars; one submission).

Conditions:
Hereditary cancer-predisposing syndrome. Also called: Neoplastic Syndromes, Hereditary; Tumor predisposition; Hereditary Cancer Syndrome; Hereditary neoplastic syndrome. Identifiers: Orphanet 140162, MedGen C0027672, MeSH D009386, MONDO:0015356.

Submission:

Ambry Genetics
Classification: Uncertain significance for Hereditary cancer-predisposing syndrome. Last evaluated: 2026-04-19. Review status: criteria provided, single submitter. Criteria: Ambry Variant Classification Scheme 2023. Collection method: clinical testing. Allele origin: germline.
Comment: The p.R1059P variant (also known as c.3176G>C), located in coding exon 26 of the POLE gene, results from a G to C substitution at nucleotide position 3176. The arginine at codon 1059 is replaced by proline, an amino acid with dissimilar properties. This amino acid position is conserved. In addition, this alteration is predicted to be deleterious by in silico analysis. Based on the available evidence, the clinical significance of this variant remains unclear.